The following is an entry in ClinVar:

ClinVar aggregate classification (germline): Pathogenic. Review status: criteria provided, multiple submitters, no conflicts (2 of 4 stars). 6 submissions from 6 submitters: Pathogenic (4). 2 of the submissions do not count toward it. Last evaluated 2025-11-19.

Conditions:
Tay-Sachs disease (TSD). Also called: HEXA DEFICIENCY; Hexosaminidase A Deficiency; HEXA Disorders; GM2 gangliosidosis, type 1; Hexosaminidase alpha-subunit deficiency (variant B); Sphingolipidosis, Tay-Sachs. Identifiers: Orphanet 845, MedGen C0039373, MONDO:0010100, OMIM 272800.

Allele frequency attached by ClinVar (database versions not stated): gnomAD 0.00001; TOPMed 0.00002.

Submissions (6):

Natera, Inc.
Classification: Pathogenic for Tay-Sachs disease. Last evaluated: 2025-11-19. Review status: criteria provided, single submitter. Criteria: Natera Variant Classification Schema (03/2026). Collection method: clinical testing. Allele origin: germline.
Comment: The c.1A>G variant in HEXA is predicted to result in start loss due to disruption of the initiator methionine. This variant is expected to result in nonsense mediated decay, truncation, or a dysfunctional protein product. This variant is rare in the general population with a frequency below the threshold expected for the associated phenotype(s). This variant has been observed in one or more individuals affected with the associated recessive disease, as either homozygous or compound heterozygous with a second variant (PMID: 21796138). Given the available evidence, this variant is classified as Pathogenic.

Labcorp Genetics (formerly Invitae), Labcorp
Classification: Pathogenic for Tay-Sachs disease. Last evaluated: 2024-08-12. Review status: criteria provided, single submitter. Criteria: Invitae Variant Classification Sherloc (09022015). Collection method: clinical testing. Allele origin: germline.
Comment: This sequence change affects the initiator methionine of the HEXA mRNA. The next in-frame methionine is located at codon 193. This variant is present in population databases (rs121907965, gnomAD 0.007%). Disruption of the initiator codon has been observed in individual(s) with HEXA deficiency (PMID: 1532289, 21796138). In at least one individual the data is consistent with being in trans (on the opposite chromosome) from a pathogenic variant. ClinVar contains an entry for this variant (Variation ID: 3914). For these reasons, this variant has been classified as Pathogenic.

Women's Health and Genetics/Laboratory Corporation of America, LabCorp
Classification: Pathogenic for Tay-Sachs disease. Last evaluated: 2023-03-14. Review status: criteria provided, single submitter. Criteria: LabCorp Variant Classification Summary - May 2015. Collection method: clinical testing. Allele origin: germline.
Comment: Variant summary: HEXA c.1A>G (p.Met1Val) alters the initiation codon and is predicted to result either in absence of the protein or truncation of the encoded protein due to translation initiation at a downstream codon. The variant allele was found at a frequency of 8e-06 in 249732 control chromosomes. c.1A>G has been reported in the literature in individuals affected with Tay-Sachs Disease. These data indicate that the variant is likely to be associated with disease. Three clinical diagnostic laboratories have submitted clinical-significance assessments for this variant to ClinVar after 2014 without evidence for independent evaluation. All laboratories classified the variant as pathogenic. In addition, other variants affecting initiation codon (e.g. c.1A>C, c.1A>T, c.2T>C) have been reported to be pathogenic (HGMD, ClinVar). Based on the evidence outlined above, the variant was classified as pathogenic.

Rady Children's Institute for Genomic Medicine, Rady Children's Hospital San Diego
Classification: Pathogenic for Hexosaminidase A deficiency. Last evaluated: 2020-01-02. Review status: criteria provided, single submitter. Criteria: ACMG Guidelines, 2015. Collection method: clinical testing. Allele origin: germline. Affected: yes.
Comment: This sequence change affects the initiator methionine of the HEXA mRNA. While it is expected to result in an absent or disrupted protein product, alternate methionines downstream of the initiator codon could potentially rescue the translation initiation; the next in-frame methionine is located at codon 193. This variant has been previously reported as a homozygous change in two brothers with infantile Tay-Sachs disease (PMID: 21796138) and as a compound heterozygous change in affected individuals (PMID: 1532289, 18358410). ClinVar contains an entry for this variant (Variation ID: 3914). It is present in the heterozygous state in the gnomAD population database at a frequency of 0.0008% (2/249732) and thus is presumed to be rare. Based on the available evidence, the c.1A>G (p.Met1?) variant is classified as Pathogenic.

Counsyl
Classification: Pathogenic for Tay-Sachs disease. Last evaluated: 2018-02-16. Review status: no assertion criteria provided. Collection method: clinical testing. Allele origin: unknown. Not counted in ClinVar's aggregate classification.

OMIM
Classification: Pathogenic for TAY-SACHS DISEASE. Last evaluated: 1992-04-01. Review status: no assertion criteria provided. Collection method: literature only. Allele origin: germline. Not counted in ClinVar's aggregate classification.

Literature cited by the submitters: PubMed 21796138 (cited by 4 submitters); PubMed 1532289 (cited by 3 submitters); PubMed 18358410 (cited by Counsyl).

NM_000520.6(HEXA):c.1A>G (p.Met1Val)

Gene: HEXA (hexosaminidase subunit alpha; minus strand). Cytogenetic location: 15q23.
Variant type: single nucleotide variant.
Coding change: c.1A>G on transcript NM_000520.6 (MANE Select); coding-DNA position 1, A replaced by G.
Protein change: p.Met1Val; changes the start codon (methionine 1).
Molecular consequence: missense variant, initiator codon variant. On other transcripts: non-coding transcript variant (1).
Genome position (GRCh38, 1-based): chr15:72,375,972, T>C on the plus strand (A>G on the coding strand, the complement: HEXA is on the minus strand). VCF-style: chr15-72375972-T-C. GRCh37 (hg19) VCF-style: chr15-72668313-T-C.
Other names: c.1A>G, p.Met1Val (NM_001318825.2); short protein forms M1V.
Identifiers: ClinVar variation 3914 (VCV000003914.179), dbSNP rs121907965, ClinGen allele CA252922.
Genomic context (GRCh38, chr15:72,375,972, plus strand): 5'-TCGCCCGTCCTGCGAACGCTGCCGCCAGCAGCAGCGAAAACCAAAGCCTGGAGCTTGTCA[T>C]GGCCCGCTGGTCTCCCCTCTCGGAGGGGGCTGGCCACGTGAGACCCTGGTCAGGTGAGCG-3'
Protein context (NP_000511.2, residues 1-11): [Met1Val]TSSRLWFSLL